The following is an entry in ClinVar:

NM_017654.4(SAMD9):c.1999A>G (p.Lys667Glu)

Gene: SAMD9 (sterile alpha motif domain containing 9; minus strand). Cytogenetic location: 7q21.2.
Variant type: single nucleotide variant.
Coding change: c.1999A>G on transcript NM_017654.4 (MANE Select); coding-DNA position 1999, A replaced by G.
Protein change: p.Lys667Glu; replaces lysine 667 with glutamic acid.
Molecular consequence: missense variant.
Genome position (GRCh38, 1-based): chr7:93,104,099, T>C on the plus strand (A>G on the coding strand, the complement: SAMD9 is on the minus strand). VCF-style: chr7-93104099-T-C. GRCh37 (hg19) VCF-style: chr7-92733412-T-C.
Other names: c.1999A>G, p.Lys667Glu (NM_001193307.2); short protein forms K667E.
Identifiers: ClinVar variation 5028729 (VCV005028729.1).

ClinVar aggregate classification (germline): Uncertain significance (1 of 4 stars; one submission).

Conditions:
Inborn genetic diseases. Identifiers: MedGen C0950123, MeSH D030342.

Submission:

Ambry Genetics
Classification: Uncertain significance for Inborn genetic diseases. Last evaluated: 2026-06-18. Review status: criteria provided, single submitter. Criteria: Ambry Variant Classification Scheme 2023. Collection method: clinical testing. Allele origin: germline.
Comment: The p.K667E variant (also known as c.1999A>G), located in coding exon 1 of the SAMD9 gene, results from an A to G substitution at nucleotide position 1999. The lysine at codon 667 is replaced by glutamic acid, an amino acid with similar properties. This amino acid position is conserved. In addition, this alteration is predicted to be tolerated by in silico analysis. Based on the available evidence, the clinical significance of this variant remains unclear.